The following is an entry in ClinVar:

ClinVar aggregate classification (germline): Benign/Likely benign. Review status: criteria provided, multiple submitters, no conflicts (2 of 4 stars). 7 submissions from 7 submitters: Benign (2); Likely benign (3). 2 of the submissions do not count toward it. Last evaluated 2026-08-01.

Allele frequency attached by ClinVar (database versions not stated): ExAC 0.00060; 1000 Genomes Project 30x 0.00062; gnomAD exomes 0.00067 and 0.00126; 1000 Genomes Project 0.00080; gnomAD 0.00084 and 0.00087; ESP Exome Variant Server 0.00092; TOPMed 0.00095.

Submissions (7):

CeGaT Center for Human Genetics Tuebingen
Classification: Likely benign. Last evaluated: 2026-08-01. Review status: criteria provided, single submitter. Criteria: CeGaT Center For Human Genetics Tuebingen Variant Classification Criteria Version 2. Collection method: clinical testing. Allele origin: germline. Affected: yes. Observed: 6 variant alleles.
Comment: C1S: BP4, BP7

Women's Health and Genetics/Laboratory Corporation of America, LabCorp
Classification: Likely benign. Last evaluated: 2026-06-26. Review status: criteria provided, single submitter. Criteria: LabCorp Variant Classification Summary - May 2015. Collection method: clinical testing. Allele origin: germline.

Labcorp Genetics (formerly Invitae), Labcorp
Classification: Benign. Last evaluated: 2026-01-27. Review status: criteria provided, single submitter. Criteria: Invitae Variant Classification Sherloc (09022015). Collection method: clinical testing. Allele origin: germline.

Blueprint Genetics
Classification: Likely benign. Last evaluated: 2024-11-26. Review status: criteria provided, single submitter. Criteria: ACMG Guidelines, 2015. Collection method: clinical testing. Allele origin: germline.

Breakthrough Genomics
Classification: Benign. Review status: criteria provided, single submitter. Criteria: ACMG Guidelines, 2015. Collection method: not provided. Allele origin: germline. Inheritance: Autosomal dominant inheritance. Affected: yes.

Clinical Genetics DNA and cytogenetics Diagnostics Lab, Erasmus MC, Erasmus Medical Center
Classification: Likely benign. Review status: no assertion criteria provided. Collection method: clinical testing. Allele origin: germline. Affected: yes. Study: VKGL Data-share Consensus. Not counted in ClinVar's aggregate classification.

Genome Diagnostics Laboratory, University Medical Center Utrecht
Classification: Likely benign. Review status: no assertion criteria provided. Collection method: clinical testing. Allele origin: germline. Affected: yes. Study: VKGL Data-share Consensus. Not counted in ClinVar's aggregate classification.

NM_001734.5(C1S):c.1326C>T (p.Ser442=)

Gene: C1S (complement C1s; plus strand). Cytogenetic location: 12p13.31.
Variant type: single nucleotide variant.
Coding change: c.1326C>T on transcript NM_001734.5 (MANE Select); coding-DNA position 1326, C replaced by T.
Protein change: p.Ser442=; no amino-acid change (serine 442 retained).
Molecular consequence: synonymous variant.
Genome position (GRCh38, 1-based): chr12:7,069,910, C>T. VCF-style: chr12-7069910-C-T. GRCh37 (hg19) VCF-style: chr12-7177214-C-T.
Other names: c.825C>T, p.Ser275= (NM_001346850.2); c.1326C>T, p.Ser442= (NM_201442.4).
Identifiers: ClinVar variation 713365 (VCV000713365.37), dbSNP rs148573885, ClinGen allele CA6423767.